The following is an entry in ClinVar:

NM_000443.4(ABCB4):c.80+3A>G

Gene: ABCB4 (ATP binding cassette subfamily B member 4; minus strand). Cytogenetic location: 7q21.12.
Variant type: single nucleotide variant.
Coding change: c.80+3A>G on transcript NM_000443.4 (MANE Select); 3 bases into the intron after coding-DNA position 80, A replaced by G.
Molecular consequence: intron variant.
Genome position (GRCh38, 1-based): chr7:87,475,383, T>C on the plus strand (A>G on the coding strand, the complement: ABCB4 is on the minus strand). VCF-style: chr7-87475383-T-C. GRCh37 (hg19) VCF-style: chr7-87104699-T-C.
Other names: c.80+3A>G (NM_018850.3, NM_018849.3).
Identifiers: ClinVar variation 4846376 (VCV004846376.1).

ClinVar aggregate classification (germline): Uncertain significance (1 of 4 stars; one submission).

Conditions:
Low phospholipid associated cholelithiasis (GBD1). Also called: Gallbladder disease 1; Gallstone cholecystitis. Identifiers: Orphanet 69663, MedGen C2609268, MONDO:0010939, OMIM 600803.

Submission:

Genomenon, Inc
Classification: Uncertain significance for Low phospholipid associated cholelithiasis. Last evaluated: 2026-04-14. Review status: criteria provided, single submitter. Criteria: Genomenon Sequence Variant Interpretation Standards - Updated. Collection method: curation. Allele origin: germline. Affected: yes.
Comment: ABCB4 c.80+3A>G is an intronic variant located in the donor splice region of intron 2. This variant has been observed in at least one proband with an ABCB4-related disorder (PMID:37818704). It is absent or not present at a significant frequency in gnomAD. In silico models predict that this variant is possibly or probably damaging. In conclusion, we classify ABCB4 c.80+3A>G as a variant of uncertain significance.

Literature cited by the submitters: PubMed 37818704.